The following is an entry in ClinVar:

NM_000455.5(STK11):c.334C>A (p.Gln112Lys)

Gene: STK11 (serine/threonine kinase 11; plus strand). Cytogenetic location: 19p13.3.
Variant type: single nucleotide variant.
Coding change: c.334C>A on transcript NM_000455.5 (MANE Select); coding-DNA position 334, C replaced by A.
Protein change: p.Gln112Lys; replaces glutamine 112 with lysine.
Molecular consequence: missense variant. On other transcripts: non-coding transcript variant (1).
Genome position (GRCh38, 1-based): chr19:1,218,460, C>A. VCF-style: chr19-1218460-C-A. GRCh37 (hg19) VCF-style: chr19-1218459-C-A.
Other names: c.334C>A, p.Gln112Lys (NM_001407255.1); short protein forms Q112K.
Identifiers: ClinVar variation 2771983 (VCV002771983.3), dbSNP rs771049807, ClinGen allele CA089330.
Genomic context (GRCh38, chr19:1,218,460, plus strand): 5'-TGTCCTCTCTGTCCCAGGGAAATTCAACTACTGAGGAGGTTACGGCACAAAAATGTCATC[C>A]AGCTGGTGGATGTGTTATACAACGAAGAGAAGCAGAAAATATATCCTTTCCGGTGTTGGG-3'
Protein context (NP_000446.1, residues 102-122): LRRLRHKNVI[Gln112Lys]LVDVLYNEEK

ClinVar aggregate classification (germline): Uncertain significance (1 of 4 stars; one submission).

Conditions:
Peutz-Jeghers syndrome (PJS). Also called: POLYPOSIS, HAMARTOMATOUS INTESTINAL; POLYPS-AND-SPOTS SYNDROME; Peutz-Jeghers polyposis; Periorificial lentiginosis syndrome. Identifiers: Orphanet 2869, MedGen C0031269, MeSH D010580, MONDO:0008280, OMIM 175200.

Submission:

Labcorp Genetics (formerly Invitae), Labcorp
Classification: Uncertain significance for Peutz-Jeghers syndrome. Last evaluated: 2023-10-27. Review status: criteria provided, single submitter. Criteria: Invitae Variant Classification Sherloc (09022015). Collection method: clinical testing. Allele origin: germline.
Comment: This sequence change replaces glutamine, which is neutral and polar, with lysine, which is basic and polar, at codon 112 of the STK11 protein (p.Gln112Lys). This variant is not present in population databases (gnomAD no frequency). This variant has not been reported in the literature in individuals affected with STK11-related conditions. Advanced modeling of protein sequence and biophysical properties (such as structural, functional, and spatial information, amino acid conservation, physicochemical variation, residue mobility, and thermodynamic stability) performed at Invitae indicates that this missense variant is not expected to disrupt STK11 protein function with a negative predictive value of 95%. In summary, the available evidence is currently insufficient to determine the role of this variant in disease. Therefore, it has been classified as a Variant of Uncertain Significance.